The following is an entry in ClinVar:

NM_005429.5(VEGFC):c.79GCC[4] (p.Ala31del)

Gene: VEGFC (vascular endothelial growth factor C; minus strand). Cytogenetic location: 4q34.3.
Variant type: Microsatellite.
Coding change: c.79GCC[4] on transcript NM_005429.5 (MANE Select); four copies in a row of the 3-base unit GCC starting at c.79; the reference has five copies in a row; one copy, 3 bases deleted.
Protein change: p.Ala31del; deletes alanine 31.
Genome position (GRCh38, 1-based): chr4:176,792,219-176,792,221, GGC deleted on the plus strand (GCC on the coding strand, the reverse complement: VEGFC is on the minus strand); deleting any 3 consecutive bases within chr4:176,792,219-176,792,235 gives the same sequence; the position shown is the placement nearest the transcript's 3' end. VCF-style (leftmost placement, unchanged base first): chr4-176792218-AGGC-A. GRCh37 (hg19) VCF-style: chr4-177713372-AGGC-A.
Other names: short protein forms A31del.
Identifiers: ClinVar variation 3037341 (VCV003037341.2), dbSNP rs754628535, ClinGen allele CA3146023.

ClinVar aggregate classification (germline): Likely benign (0 of 4 stars; one submission).

Conditions:
VEGFC-related disorder. Also called: VEGFC-related condition.

Submission:

PreventionGenetics, part of Exact Sciences
Classification: Likely benign for VEGFC-related condition. Last evaluated: 2019-02-23. Review status: no assertion criteria provided. Collection method: clinical testing. Allele origin: germline.
Comment: This variant is classified as likely benign based on ACMG/AMP sequence variant interpretation guidelines (Richards et al. 2015 PMID: 25741868, with internal and published modifications).